The following is an entry in ClinVar:

NM_001190274.2(FBXO11):c.17C>A (p.Ala6Asp)

Genes: FBXO11 (F-box protein 11; minus strand), LOC100506235 (uncharacterized LOC100506235; plus strand). Cytogenetic location: 2p16.3.
Variant type: single nucleotide variant.
Coding change: c.17C>A on transcript NM_001190274.2 (MANE Select); coding-DNA position 17, C replaced by A.
Protein change: p.Ala6Asp; replaces alanine 6 with aspartic acid.
Molecular consequence: missense variant. On other transcripts: non-coding transcript variant (1).
Genome position (GRCh38, 1-based): chr2:47,905,704, G>T on the plus strand (C>A on the coding strand, the complement: FBXO11 is on the minus strand). VCF-style: chr2-47905704-G-T. GRCh37 (hg19) VCF-style: chr2-48132843-G-T.
Other names: short protein forms A6D.
Identifiers: ClinVar variation 3777334 (VCV003777334.1).
Genomic context (GRCh38, chr2:47,905,704, plus strand): 5'-TGCTGCTGCTGTTGCTGCACCGGGCGCGGCCGCGACACTCGCCTGGGTCTCCGGTTGGCG[G>T]CTCGGACGGAGTTCATTTGCCGGGCTGAGGTGGCGGCGTTGGCGGAGGGACACACACACG-3'
Protein context (NP_001177203.1, residues 1-16): MNSVR[Ala6Asp]ANRRPRRVSR

ClinVar aggregate classification (germline): Uncertain significance (1 of 4 stars; one submission).

Submission:

GeneDx
Classification: Uncertain significance. Last evaluated: 2024-10-14. Review status: criteria provided, single submitter. Criteria: GeneDx Variant Classification Process June 2021. Collection method: clinical testing. Allele origin: germline. Affected: yes.
Comment: Not observed at significant frequency in large population cohorts (gnomAD); In silico analysis indicates that this missense variant does not alter protein structure/function; Has not been previously published as pathogenic or benign to our knowledge